The following is an entry in ClinVar:

ClinVar aggregate classification (germline): Uncertain significance (1 of 4 stars; one submission).

Allele frequency attached by ClinVar (database versions not stated): gnomAD exomes below 0.00001 and 0.00001; TOPMed 0.00002; gnomAD 0.00004.
gnomAD v4.1: 12 of 1,613,854 alleles (0.00074%); highest among the groups gnomAD compares: African/African-American, 0.016%; no homozygotes.

Submission:

Labcorp Genetics (formerly Invitae), Labcorp
Classification: Uncertain significance. Last evaluated: 2021-09-15. Review status: criteria provided, single submitter. Criteria: Invitae Variant Classification Sherloc (09022015). Collection method: clinical testing. Allele origin: germline.
Comment: In summary, the available evidence is currently insufficient to determine the role of this variant in disease. Therefore, it has been classified as a Variant of Uncertain Significance. Algorithms developed to predict the effect of missense changes on protein structure and function are either unavailable or do not agree on the potential impact of this missense change (SIFT: "Deleterious"; PolyPhen-2: "Benign"; Align-GVGD: "Class C0"). This variant has not been reported in the literature in individuals affected with GTPBP3-related conditions. This variant is not present in population databases (ExAC no frequency). This sequence change replaces arginine with glycine at codon 230 of the GTPBP3 protein (p.Arg230Gly). The arginine residue is weakly conserved and there is a moderate physicochemical difference between arginine and glycine.

NM_032620.4(GTPBP3):c.664+24A>G

Gene: GTPBP3 (GTP binding protein 3, mitochondrial; plus strand). Cytogenetic location: 19p13.11.
Variant type: single nucleotide variant.
Coding change: c.664+24A>G on transcript NM_032620.4 (MANE Select); 24 bases into the intron after coding-DNA position 664, A replaced by G.
Molecular consequence: intron variant. On other transcripts: missense variant (1).
Genome position (GRCh38, 1-based): chr19:17,339,050, A>G. VCF-style: chr19-17339050-A-G. GRCh37 (hg19) VCF-style: chr19-17449859-A-G.
Other names: c.688A>G, p.Arg230Gly (NM_133644.4); c.730+24A>G (NM_001195422.1); c.664+24A>G (NM_001128855.3); short protein forms R230G.
Identifiers: ClinVar variation 1391467 (VCV001391467.5), dbSNP rs867333219, ClinGen allele CA306062266.